The following is an entry in ClinVar:

ClinVar aggregate classification (germline): Uncertain significance (1 of 4 stars; one submission).

Conditions:
Frontotemporal dementia and/or amyotrophic lateral sclerosis 6 (FTDALS6). Also called: VCP-Related Amyotrophic Lateral Sclerosis/Frontotemporal Dementia; VCP-Related Amyotrophic Lateral Sclerosis. Identifiers: Orphanet 275872, Orphanet 803, MedGen C5436279, MONDO:0013501, OMIM 613954.
Inclusion body myopathy with Paget disease of bone and frontotemporal dementia. Also called: Inclusion body myopathy with early-onset Paget disease and frontotemporal dementia. Identifiers: Orphanet 52430, MedGen C1833662, MONDO:0000507.

gnomAD v4.1: 1 of 1,613,984 alleles (0.000062%); no homozygotes.

Submission:

Labcorp Genetics (formerly Invitae), Labcorp
Classification: Uncertain significance for Inclusion body myopathy with Paget disease of bone and frontotemporal dementia; Frontotemporal dementia and/or amyotrophic lateral sclerosis 6. Last evaluated: 2022-03-28. Review status: criteria provided, single submitter. Criteria: Invitae Variant Classification Sherloc (09022015). Collection method: clinical testing. Allele origin: germline.
Comment: This sequence change falls in intron 4 of the VCP gene. It does not directly change the encoded amino acid sequence of the VCP protein. This variant is not present in population databases (gnomAD no frequency). This variant has not been reported in the literature in individuals affected with VCP-related conditions. Algorithms developed to predict the effect of sequence changes on RNA splicing suggest that this variant may create or strengthen a splice site. In summary, the available evidence is currently insufficient to determine the role of this variant in disease. Therefore, it has been classified as a Variant of Uncertain Significance.

NM_007126.5(VCP):c.445+8C>G

Gene: VCP (valosin containing protein; minus strand). Cytogenetic location: 9p13.3.
Variant type: single nucleotide variant.
Coding change: c.445+8C>G on transcript NM_007126.5 (MANE Select); 8 bases into the intron after coding-DNA position 445, C replaced by G.
Molecular consequence: intron variant.
Genome position (GRCh38, 1-based): chr9:35,066,667, G>C on the plus strand (C>G on the coding strand, the complement: VCP is on the minus strand). VCF-style: chr9-35066667-G-C. GRCh37 (hg19) VCF-style: chr9-35066664-G-C.
Other names: c.310+8C>G (NM_001354927.2, NM_001354928.2).
Identifiers: ClinVar variation 2118681 (VCV002118681.4), dbSNP rs2131038867, ClinGen allele CA2580080394.